The following is an entry in ClinVar:

ClinVar aggregate classification (germline): Uncertain significance (1 of 4 stars; one submission).

Submission:

GeneDx
Classification: Uncertain significance. Last evaluated: 2017-06-08. Review status: criteria provided, single submitter. Criteria: GeneDx Variant Classification (06012015). Collection method: clinical testing. Allele origin: germline. Affected: yes.
Comment: The c.2964_2967dupGCCA variant in the TET2 gene has not been reported previously as apathogenic variant nor as a benign variant, to our knowledge. This variant causes a frameshift startingwith codon Histidine 990, changes this amino acid to an Alanine residue, and creates a premature Stopcodon at position 20 of the new reading frame, denoted p.His990AlafsX20. This variant is predictedto cause loss of normal protein function either through protein truncation or nonsense-mediatedmRNA decay. The c.2964_2967dupGCCA variant is not observed in large population cohorts (Lek etal., 2016; 1000 Genomes Consortium et al., 2015; Exome Variant Server). We interpretc.2964_2967dupGCCA as a variant of uncertain significance.

NM_001127208.3(TET2):c.2964_2967dup (p.His990fs)

Genes: TET2 (tet methylcytosine dioxygenase 2; plus strand), TET2-AS1 (TET2 antisense RNA 1; minus strand). Cytogenetic location: 4q24.
Variant type: Duplication.
Coding change: c.2964_2967dup on transcript NM_001127208.3 (MANE Select); coding-DNA positions 2964 to 2967, 4 bases duplicated (GCCA; older notation c.2964_2967dupGCCA).
Protein change: p.His990fs; shifts the reading frame from histidine 990.
Molecular consequence: frameshift variant.
Genome position (GRCh38, 1-based): chr4:105,236,906-105,236,909, GCCA duplicated; duplicating any 4 consecutive bases within chr4:105,236,905-105,236,909 gives the same sequence; the c. name uses the placement nearest the transcript's 3' end. VCF-style (leftmost placement, unchanged base first): chr4-105236904-A-AAGCC. GRCh37 (hg19) VCF-style: chr4-106158061-A-AAGCC.
Other names: c.2964_2967dupGCCA (NM_017628.4, NM_001127208.2); c.2964_2967dup, p.His990fs (NM_017628.4); short protein forms H990fs.
Identifiers: ClinVar variation 432521 (VCV000432521.2), dbSNP rs1553914436, ClinGen allele CA645372758.